The following is an entry in ClinVar:

ClinVar aggregate classification (germline): Conflicting classifications of pathogenicity. Review status: criteria provided, conflicting classifications (1 of 4 stars). 5 submissions from 5 submitters: Uncertain significance (1); Likely benign (4). Last evaluated 2026-07-07.

Conditions:
FOXC1-related disorder. Also called: FOXC1-related condition.
Axenfeld-Rieger syndrome type 3 (RIEG3). Also called: AXENFELD-RIEGER ANOMALY WITH CARDIAC DEFECTS AND/OR SENSORINEURAL HEARING LOSS. Identifiers: Orphanet 782, MedGen C2678503, MONDO:0011233, OMIM 602482.

Allele frequency attached by ClinVar (database versions not stated): gnomAD 0.00067 and 0.00070; 1000 Genomes Project 0.00160; gnomAD exomes 0.00006; ExAC 0.00019; TOPMed 0.00055.
gnomAD v4.1: 178 of 1,520,688 alleles (0.012%); highest among the groups gnomAD compares: African/African-American, 0.24%; 1 homozygote.

Submissions (5):

PreventionGenetics, part of Exact Sciences
Classification: Likely benign for FOXC1-related condition. Last evaluated: 2026-07-07. Review status: criteria provided, single submitter. Criteria: ACMG Guidelines, 2015. Collection method: clinical testing. Allele origin: germline.
Comment: This variant is classified as likely benign based on ACMG/AMP sequence variant interpretation guidelines (Richards et al. 2015 PMID: 25741868, with internal and published modifications).

Labcorp Genetics (formerly Invitae), Labcorp
Classification: Likely benign for Axenfeld-Rieger syndrome type 3. Last evaluated: 2025-12-18. Review status: criteria provided, single submitter. Criteria: Invitae Variant Classification Sherloc (09022015). Collection method: clinical testing. Allele origin: germline.

Blueprint Genetics
Classification: Likely benign. Last evaluated: 2022-11-24. Review status: criteria provided, single submitter. Criteria: ACMG Guidelines, 2015. Collection method: clinical testing. Allele origin: germline.

GeneDx
Classification: Likely benign. Last evaluated: 2021-06-23. Review status: criteria provided, single submitter. Criteria: GeneDx Variant Classification Process June 2021. Collection method: clinical testing. Allele origin: germline. Affected: yes.

Eurofins Ntd Llc (ga)
Classification: Uncertain significance. Last evaluated: 2017-07-28. Review status: criteria provided, single submitter. Criteria: EGL Classification Definitions 2015. Collection method: clinical testing. Allele origin: germline. Observed: 2 variant alleles, 2 heterozygotes.

NM_001453.3(FOXC1):c.597C>G (p.Arg199=)

Gene: FOXC1 (forkhead box C1; plus strand). Cytogenetic location: 6p25.3.
Variant type: single nucleotide variant.
Coding change: c.597C>G on transcript NM_001453.3 (MANE Select); coding-DNA position 597, C replaced by G.
Protein change: p.Arg199=; no amino-acid change (arginine 199 retained).
Molecular consequence: synonymous variant.
Genome position (GRCh38, 1-based): chr6:1,611,042, C>G. VCF-style: chr6-1611042-C-G. GRCh37 (hg19) VCF-style: chr6-1611277-C-G.
Identifiers: ClinVar variation 286506 (VCV000286506.19), dbSNP rs529227054, ClinGen allele CA3614793.